The following is an entry in ClinVar:

NM_003072.5(SMARCA4):c.761G>T (p.Gly254Val)

Gene: SMARCA4 (SWI/SNF related BAF chromatin remodeling complex subunit ATPase 4; plus strand). Cytogenetic location: 19p13.2.
Variant type: single nucleotide variant.
Coding change: c.761G>T on transcript NM_003072.5 (MANE Select); coding-DNA position 761, G replaced by T.
Protein change: p.Gly254Val; replaces glycine 254 with valine.
Molecular consequence: missense variant. On other transcripts: non-coding transcript variant (1).
Genome position (GRCh38, 1-based): chr19:10,986,905, G>T. VCF-style: chr19-10986905-G-T. GRCh37 (hg19) VCF-style: chr19-11097581-G-T.
Other names: c.761G>T, p.Gly254Val (NM_001128844.3, NM_001128845.2, NM_001128846.2 and 6 more transcripts); c.761G>T (NM_001128849.1); short protein forms G254V.
Identifiers: ClinVar variation 1718242 (VCV001718242.7), dbSNP rs767708564, ClinGen allele CA404057801.

ClinVar aggregate classification (germline): Uncertain significance. Review status: criteria provided, multiple submitters, no conflicts (2 of 4 stars). 3 submissions from 3 submitters: Uncertain significance (3). Last evaluated 2025-08-02.

Conditions:
Hereditary cancer-predisposing syndrome. Also called: Hereditary neoplastic syndrome; Neoplastic Syndromes, Hereditary; Hereditary Cancer Syndrome; Tumor predisposition. Identifiers: Orphanet 140162, MedGen C0027672, MeSH D009386, MONDO:0015356.
Intellectual disability, autosomal dominant 16 (CSS4). Also called: COFFIN-SIRIS SYNDROME 4. Identifiers: Orphanet 1465, MedGen C3553249, MONDO:0013821, OMIM 614609.
Rhabdoid tumor predisposition syndrome 2 (RTPS2). Identifiers: Orphanet 231108, Orphanet 69077, MedGen C2750074, MONDO:0013224, OMIM 613325.

Submissions (3):

Ambry Genetics
Classification: Uncertain significance for Hereditary cancer-predisposing syndrome. Last evaluated: 2025-08-02. Review status: criteria provided, single submitter. Criteria: Ambry Variant Classification Scheme 2023. Collection method: clinical testing. Allele origin: germline.
Comment: The p.G254V variant (also known as c.761G>T) is located in coding exon 4 of the SMARCA4 gene. The glycine at codon 254 is replaced by valine, an amino acid with dissimilar properties. This change occurs in the first base pair of coding exon 4. This amino acid position is conserved. In addition, this alteration is predicted to be deleterious by in silico analysis. Based on the available evidence, the clinical significance of this variant remains unclear.

Laboratory of Dr. Barbara Vona, University Medical Center Göttingen
Classification: Uncertain significance for Intellectual disability, autosomal dominant 16. Last evaluated: 2025-06-26. Review status: criteria provided, single submitter. Criteria: ACMG Guidelines, 2015. Collection method: clinical testing. Allele origin: germline. Affected: yes.

Labcorp Genetics (formerly Invitae), Labcorp
Classification: Uncertain significance for Rhabdoid tumor predisposition syndrome 2. Last evaluated: 2023-04-21. Review status: criteria provided, single submitter. Criteria: Invitae Variant Classification Sherloc (09022015). Collection method: clinical testing. Allele origin: germline.
Comment: This variant is not present in population databases (gnomAD no frequency). This variant has not been reported in the literature in individuals affected with SMARCA4-related conditions. ClinVar contains an entry for this variant (Variation ID: 1718242). An algorithm developed to predict the effect of missense changes on protein structure and function (PolyPhen-2) suggests that this variant is likely to be disruptive. This sequence change replaces glycine, which is neutral and non-polar, with valine, which is neutral and non-polar, at codon 254 of the SMARCA4 protein (p.Gly254Val). In summary, the available evidence is currently insufficient to determine the role of this variant in disease. Therefore, it has been classified as a Variant of Uncertain Significance.